The following is an entry in ClinVar:

ClinVar aggregate classification (germline): Uncertain significance (1 of 4 stars; one submission).

Conditions:
Cardiovascular phenotype. Identifiers: MedGen CN230736.

Submission:

Molecular Diagnostic Laboratory for Inherited Cardiovascular Disease, Montreal Heart Institute
Classification: Uncertain significance for Cardiovascular phenotype. Last evaluated: 2026-09-21. Review status: criteria provided, single submitter. Criteria: ACMG Guidelines, 2015. Collection method: clinical testing. Allele origin: germline. Affected: yes.
Comment: PM2, PP3

NM_004415.4(DSP):c.6884A>G (p.Gln2295Arg)

Gene: DSP (desmoplakin; plus strand). Cytogenetic location: 6p24.3.
Variant type: single nucleotide variant.
Coding change: c.6884A>G on transcript NM_004415.4 (MANE Select); coding-DNA position 6884, A replaced by G.
Protein change: p.Gln2295Arg; replaces glutamine 2295 with arginine.
Molecular consequence: missense variant.
Genome position (GRCh38, 1-based): chr6:7,584,146, A>G. VCF-style: chr6-7584146-A-G. GRCh37 (hg19) VCF-style: chr6-7584379-A-G.
Other names: c.5087A>G, p.Gln1696Arg (NM_001008844.3); c.5555A>G, p.Gln1852Arg (NM_001319034.2); short protein forms Q1696R, Q1852R, Q2295R.
Identifiers: ClinVar variation 5037836 (VCV005037836.1).